The following is an entry in ClinVar:

NM_002487.3(NDN):c.871C>A (p.Pro291Thr)

Gene: NDN (necdin, MAGE family member; minus strand). Cytogenetic location: 15q11.2.
Variant type: single nucleotide variant.
Coding change: c.871C>A on transcript NM_002487.3 (MANE Select); coding-DNA position 871, C replaced by A.
Protein change: p.Pro291Thr; replaces proline 291 with threonine.
Molecular consequence: missense variant.
Genome position (GRCh38, 1-based): chr15:23,686,347, G>T on the plus strand (C>A on the coding strand, the complement: NDN is on the minus strand). VCF-style: chr15-23686347-G-T. GRCh37 (hg19) VCF-style: chr15-23931494-G-T.
Other names: short protein forms P291T.
Identifiers: ClinVar variation 1343260 (VCV001343260.1), dbSNP rs2140756886, ClinGen allele CA391338348.

ClinVar aggregate classification (germline): Uncertain significance (1 of 4 stars; one submission).

Conditions:
Prader-Willi syndrome (PWS). Identifiers: Orphanet 739, MedGen C0032897, MONDO:0008300, OMIM 176270. Disease mechanism: loss of function, Microdeletion. Inheritance: Microdletion.

gnomAD v4.1: 2 of 1,585,144 alleles (0.00013%); highest among the groups gnomAD compares: Non-Finnish European, 0.00017%; no homozygotes.

Submission:

Institute of Human Genetics, Clinical Exome/Genome Diagnostics Group, University Hospital Bonn
Classification: Uncertain significance for Prader-Willi syndrome. Last evaluated: 2021-10-21. Review status: criteria provided, single submitter. Criteria: ACMG Guidelines, 2015. Collection method: clinical testing. Allele origin: paternal. Affected: yes.
Comment: PM2